The following is an entry in ClinVar:

ClinVar aggregate classification (germline): Likely benign. Review status: criteria provided, single submitter (1 of 4 stars). 2 submissions from 2 submitters: Likely benign (1). 1 of the submissions does not count toward it. Last evaluated 2016-10-03.

Conditions:
STT3A-related disorder. Also called: STT3A-related condition.

Allele frequency attached by ClinVar (database versions not stated): gnomAD below 0.00001 and 0.00002; gnomAD exomes 0.00005 and 0.00009; ExAC 0.00014.
gnomAD v4.1: 72 of 1,565,214 alleles (0.0046%); highest among the groups gnomAD compares: South Asian, 0.086%; 1 homozygote.

Submissions (2):

GeneDx
Classification: Likely benign. Last evaluated: 2016-10-03. Review status: criteria provided, single submitter. Criteria: GeneDx Variant Classification (06012015). Collection method: clinical testing. Allele origin: germline. Affected: yes.
Comment: This variant is considered likely benign or benign based on one or more of the following criteria: it is a conservative change, it occurs at a poorly conserved position in the protein, it is predicted to be benign by multiple in silico algorithms, and/or has population frequency not consistent with disease.

PreventionGenetics, part of Exact Sciences
Classification: Likely benign for STT3A-related condition. Last evaluated: 2019-10-21. Review status: no assertion criteria provided. Collection method: clinical testing. Allele origin: germline. Not counted in ClinVar's aggregate classification.
Comment: This variant is classified as likely benign based on ACMG/AMP sequence variant interpretation guidelines (Richards et al. 2015 PMID: 25741868, with internal and published modifications).

NM_152713.5(STT3A):c.271+8G>T

Gene: STT3A (STT3 oligosaccharyltransferase complex catalytic subunit A; plus strand). Cytogenetic location: 11q24.2.
Variant type: single nucleotide variant.
Coding change: c.271+8G>T on transcript NM_152713.5 (MANE Select); 8 bases into the intron after coding-DNA position 271, G replaced by T.
Molecular consequence: intron variant.
Genome position (GRCh38, 1-based): chr11:125,602,432, G>T. VCF-style: chr11-125602432-G-T. GRCh37 (hg19) VCF-style: chr11-125472327-G-T.
Other names: c.271+8G>T (NM_001278503.2); c.-6+8G>T (NM_001278504.2).
Identifiers: ClinVar variation 389181 (VCV000389181.3), dbSNP rs777282150, ClinGen allele CA6348792.